The following is an entry in ClinVar:

NM_006514.4(SCN10A):c.548C>T (p.Thr183Met)

Gene: SCN10A (sodium voltage-gated channel alpha subunit 10; minus strand). Cytogenetic location: 3p22.2.
Variant type: single nucleotide variant.
Coding change: c.548C>T on transcript NM_006514.4 (MANE Select); coding-DNA position 548, C replaced by T.
Protein change: p.Thr183Met; replaces threonine 183 with methionine.
Molecular consequence: missense variant.
Genome position (GRCh38, 1-based): chr3:38,771,330, G>A on the plus strand (C>T on the coding strand, the complement: SCN10A is on the minus strand). VCF-style: chr3-38771330-G-A. GRCh37 (hg19) VCF-style: chr3-38812821-G-A.
Other names: c.548C>T, p.Thr183Met (NM_001293306.2, NM_001293307.2); short protein forms T183M.
Identifiers: ClinVar variation 2448857 (VCV002448857.2), dbSNP rs778169470, ClinGen allele CA72954410.

ClinVar aggregate classification (germline): Uncertain significance (1 of 4 stars; one submission).

Conditions:
Cardiovascular phenotype. Identifiers: MedGen CN230736.

Allele frequency attached by ClinVar (database versions not stated): TOPMed below 0.00001; gnomAD exomes 0.00001.
gnomAD v4.1: 8 of 1,614,086 alleles (0.0005%); highest among the groups gnomAD compares: East Asian, 0.0045%; no homozygotes.

Submission:

Ambry Genetics
Classification: Uncertain significance for Cardiovascular phenotype. Last evaluated: 2023-02-23. Review status: criteria provided, single submitter. Criteria: Ambry Variant Classification Scheme 2023. Collection method: clinical testing. Allele origin: germline.
Comment: The p.T183M variant (also known as c.548C>T), located in coding exon 4 of the SCN10A gene, results from a C to T substitution at nucleotide position 548. The threonine at codon 183 is replaced by methionine, an amino acid with similar properties. This amino acid position is conserved. In addition, the in silico prediction for this alteration is inconclusive. Since supporting evidence is limited at this time, the clinical significance of this alteration remains unclear.